The following is an entry in ClinVar:

ClinVar aggregate classification (germline): Uncertain significance (1 of 4 stars; one submission).

Submission:

Ambry Genetics
Classification: Uncertain significance. Last evaluated: 2023-02-15. Review status: criteria provided, single submitter. Criteria: Ambry Variant Classification Scheme 2023. Collection method: clinical testing. Allele origin: germline.
Comment: The p.R18S variant (also known as c.54G>T), located in coding exon 2 of the RAD54L gene, results from a G to T substitution at nucleotide position 54. The arginine at codon 18 is replaced by serine, an amino acid with dissimilar properties. This amino acid position is conserved. In addition, this alteration is predicted to be tolerated by in silico analysis. Since supporting evidence is limited at this time, the clinical significance of this alteration remains unclear.

NM_003579.4(RAD54L):c.54G>T (p.Arg18Ser)

Gene: RAD54L (RAD54 like; plus strand). Cytogenetic location: 1p34.1.
Variant type: single nucleotide variant.
Coding change: c.54G>T on transcript NM_003579.4 (MANE Select); coding-DNA position 54, G replaced by T.
Protein change: p.Arg18Ser; replaces arginine 18 with serine.
Molecular consequence: missense variant. On other transcripts: 5 prime UTR variant (1).
Genome position (GRCh38, 1-based): chr1:46,248,562, G>T. VCF-style: chr1-46248562-G-T. GRCh37 (hg19) VCF-style: chr1-46714234-G-T.
Other names: c.54G>T, p.Arg18Ser (NM_001142548.2); c.-487G>T (NM_001370766.1); short protein forms R18S.
Identifiers: ClinVar variation 2447813 (VCV002447813.2), dbSNP rs1659713656, ClinGen allele CA340174393.